The following is an entry in ClinVar:

NM_000834.5(GRIN2B):c.4446T>C (p.Ser1482=)

Gene: GRIN2B (glutamate ionotropic receptor NMDA type subunit 2B; minus strand). Cytogenetic location: 12p13.1.
Variant type: single nucleotide variant.
Coding change: c.4446T>C on transcript NM_000834.5 (MANE Select); coding-DNA position 4446, T replaced by C.
Protein change: p.Ser1482=; no amino-acid change (serine 1482 retained).
Molecular consequence: synonymous variant.
Genome position (GRCh38, 1-based): chr12:13,562,792, A>G on the plus strand (T>C on the coding strand, the complement: GRIN2B is on the minus strand). VCF-style: chr12-13562792-A-G. GRCh37 (hg19) VCF-style: chr12-13715726-A-G.
Other names: c.4446T>C, p.Ser1482= (NM_001413992.1).
Identifiers: ClinVar variation 3753522 (VCV003753522.8).

ClinVar aggregate classification (germline): Likely benign. Review status: criteria provided, multiple submitters, no conflicts (2 of 4 stars). 2 submissions from 2 submitters: Likely benign (2). Last evaluated 2025-10-01.

Conditions:
Developmental and epileptic encephalopathy, 27 (DEE27). Also called: Epileptic encephalopathy, early infantile, 27; GRIN2B-Related Neurodevelopmental Disorder. Identifiers: Orphanet 3451, MedGen C4015316, MONDO:0014505, OMIM 616139.
Intellectual developmental disorder, autosomal dominant 6, with or without seizures. Also called: Intellectual disability, autosomal dominant 6; GRIN2B-related developmental delay, intellectual disability and autism spectrum disorder. Identifiers: Orphanet 589547, MedGen C3151411, MONDO:0013509, OMIM 613970.

gnomAD v4.1: 1 of 1,613,792 alleles (0.000062%); highest among the groups gnomAD compares: Admixed American, 0.0017%; no homozygotes.

Submissions (2):

CeGaT Center for Human Genetics Tuebingen
Classification: Likely benign. Last evaluated: 2025-10-01. Review status: criteria provided, single submitter. Criteria: CeGaT Center For Human Genetics Tuebingen Variant Classification Criteria Version 2. Collection method: clinical testing. Allele origin: germline. Affected: yes. Observed: 1 variant allele.
Comment: GRIN2B: BP4, BP7

Labcorp Genetics (formerly Invitae), Labcorp
Classification: Likely benign for Developmental and epileptic encephalopathy, 27; Intellectual developmental disorder, autosomal dominant 6, with or without seizures. Last evaluated: 2024-05-10. Review status: criteria provided, single submitter. Criteria: Invitae Variant Classification Sherloc (09022015). Collection method: clinical testing. Allele origin: germline.